The following is an entry in ClinVar:

ClinVar aggregate classification (germline): Pathogenic (1 of 4 stars; one submission).

Submission:

Labcorp Genetics (formerly Invitae), Labcorp
Classification: Pathogenic. Last evaluated: 2025-11-27. Review status: criteria provided, single submitter. Criteria: Invitae Variant Classification Sherloc (09022015). Collection method: clinical testing. Allele origin: germline.
Comment: This sequence change creates a premature translational stop signal (p.Gln231Serfs*2) in the SLC26A3 gene. It is expected to result in an absent or disrupted protein product. Loss-of-function variants in SLC26A3 are known to be pathogenic (PMID: 9718329, 21394828). This variant is not present in population databases (gnomAD no frequency). This variant has not been reported in the literature in individuals affected with SLC26A3-related conditions. For these reasons, this variant has been classified as Pathogenic.

Literature cited by the submitters: PubMed 9718329; PubMed 21394828.

NM_000111.3(SLC26A3):c.690del (p.Gln231fs)

Gene: SLC26A3 (solute carrier family 26 member 3; minus strand). Cytogenetic location: 7q22.3.
Variant type: Deletion.
Coding change: c.690del on transcript NM_000111.3 (MANE Select); coding-DNA position 690, one base deleted (T; older notation c.690delT).
Protein change: p.Gln231fs; shifts the reading frame from glutamine 231.
Molecular consequence: frameshift variant.
Genome position (GRCh38, 1-based): chr7:107,789,569, A deleted on the plus strand (T on the coding strand, the reverse complement: SLC26A3 is on the minus strand); the first of 5 consecutive A bases (chr7:107,789,569-107,789,573); deleting any one gives the same sequence. VCF-style (leftmost placement, unchanged base first): chr7-107789568-GA-G. GRCh37 (hg19) VCF-style: chr7-107430013-GA-G.
Other names: short protein forms Q231fs.
Identifiers: ClinVar variation 4732164 (VCV004732164.1).
Genomic context (GRCh38, chr7:107,789,568, plus strand): 5'-TGAAAGAAATACTTACTTTGAAAATTGAAACTGGATCAGTGTGTGACGGGACTGTCAACT[GA>G]AAAATGAATTTGAGTTGGGAAACCAAAACATGAACAGCAGCAGCAGTAGTGAAGCCACTG-3'